The following is an entry in ClinVar:

ClinVar aggregate classification (germline): Pathogenic (1 of 4 stars; one submission).

Conditions:
Asphyxiating thoracic dystrophy 3. Also called: SHORT-RIB THORACIC DYSPLASIA 3 WITH OR WITHOUT POLYDACTYLY; POLYDACTYLY WITH NEONATAL CHONDRODYSTROPHY, TYPE I; SHORT-RIB THORACIC DYSPLASIA 3/6 WITH POLYDACTYLY, DIGENIC; Short rib polydactyly syndrome 2B; Saldino-Noonan Syndrome. Identifiers: Orphanet 474, Orphanet 93269, Orphanet 93270, Orphanet 93271, MedGen C0036069, MONDO:0013127, OMIM 613091.

Submission:

Myriad Genetics, Inc.
Classification: Pathogenic for Asphyxiating thoracic dystrophy 3. Last evaluated: 2025-05-15. Review status: criteria provided, single submitter. Criteria: Myriad Autosomal Dominant, Autosomal Recessive and X-Linked Classification Criteria (2023). Collection method: clinical testing. Allele origin: unknown.
Comment: NM_001377.2(DYNC2H1):c.1520T>A(L507*) is expected to be pathogenic in the context of DYNC2H1-related disorders. This variant is predicted to lead to an abnormal or absent protein product due to the creation of a premature termination codon in DYNC2H1, a gene where loss-of-function variants are known to be pathogenic. Please note: this variant was assessed in the context of healthy population screening.

NM_001377.3(DYNC2H1):c.1520T>A (p.Leu507Ter)

Gene: DYNC2H1 (dynein cytoplasmic 2 heavy chain 1; plus strand). Cytogenetic location: 11q22.3.
Variant type: single nucleotide variant.
Coding change: c.1520T>A on transcript NM_001377.3 (MANE Select); coding-DNA position 1520, T replaced by A.
Protein change: p.Leu507Ter; replaces leucine 507 with a stop codon.
Molecular consequence: nonsense.
Genome position (GRCh38, 1-based): chr11:103,122,859, T>A. VCF-style: chr11-103122859-T-A. GRCh37 (hg19) VCF-style: chr11-102993588-T-A.
Other names: c.1520T>A, p.Leu507Ter (NM_001080463.2); short protein forms L507*.
Identifiers: ClinVar variation 5014447 (VCV005014447.1).